The following is an entry in ClinVar:

NM_000264.5(PTCH1):c.3499G>A (p.Gly1167Arg)

Gene: PTCH1 (patched 1; minus strand). Cytogenetic location: 9q22.32.
Variant type: single nucleotide variant.
Coding change: c.3499G>A on transcript NM_000264.5 (MANE Select); coding-DNA position 3499, G replaced by A.
Protein change: p.Gly1167Arg; replaces glycine 1167 with arginine.
Molecular consequence: missense variant. On other transcripts: non-coding transcript variant (1).
Genome position (GRCh38, 1-based): chr9:95,449,891, C>T on the plus strand (G>A on the coding strand, the complement: PTCH1 is on the minus strand). VCF-style: chr9-95449891-C-T. GRCh37 (hg19) VCF-style: chr9-98212173-C-T.
Other names: c.3046G>A, p.Gly1016Arg (NM_001083606.3, NM_001083607.3, NM_001083604.3 and 1 more transcripts); c.3343G>A, p.Gly1115Arg (NM_001354918.2); c.3301G>A, p.Gly1101Arg (NM_001083602.3); c.3496G>A, p.Gly1166Arg (NM_001083603.3); short protein forms G1101R, G1167R, G1016R, G1166R, G1115R.
Identifiers: ClinVar variation 428838 (VCV000428838.11), dbSNP rs1131690985, ClinGen allele CA374111537.

ClinVar aggregate classification (germline): Pathogenic. Review status: criteria provided, multiple submitters, no conflicts (2 of 4 stars). 2 submissions from 2 submitters: Pathogenic (2). Last evaluated 2026-02-06.

Conditions:
Hereditary cancer-predisposing syndrome. Also called: Neoplastic Syndromes, Hereditary; Tumor predisposition; Hereditary neoplastic syndrome; Hereditary Cancer Syndrome. Identifiers: Orphanet 140162, MedGen C0027672, MeSH D009386, MONDO:0015356.
Gorlin syndrome. Also called: Basal cell nevus syndrome; Nevoid Basal Cell Carcinoma Syndrome. Identifiers: Orphanet 377, MedGen C0004779, MONDO:0007187.

Submissions (2):

Ambry Genetics
Classification: Pathogenic for Hereditary cancer-predisposing syndrome. Last evaluated: 2026-02-06. Review status: criteria provided, single submitter. Criteria: Ambry Variant Classification Scheme 2023. Collection method: clinical testing. Allele origin: germline.
Comment: The p.G1167R pathogenic mutation (also known as c.3499G>A), located in coding exon 21 of the PTCH1 gene, results from a G to A substitution at nucleotide position 3499. The glycine at codon 1167 is replaced by arginine, an amino acid with dissimilar properties. This variant was reported in individuals with features consistent with PTCH1-related nevoid basal cell carcinoma syndrome (Barreto DC et al. J Dent Res, 2000 Jun;79:1418-22; Pastorino L et al. Hum Mutat, 2005 Mar;25:322-3; Sun LS et al. J Dent Res, 2008 Jun;87:575-9; Hong Y et al. J Bone Miner Res, 2016 Jul;31:1413-28; Ambry internal data). This amino acid position is highly conserved in available vertebrate species. In addition, this alteration is predicted to be deleterious by in silico analysis. This variant is considered to be rare based on population cohorts in the Genome Aggregation Database (gnomAD). Based on the supporting evidence, this variant is interpreted as a disease-causing mutation.

Labcorp Genetics (formerly Invitae), Labcorp
Classification: Pathogenic for Gorlin syndrome. Last evaluated: 2022-01-16. Review status: criteria provided, single submitter. Criteria: Invitae Variant Classification Sherloc (09022015). Collection method: clinical testing. Allele origin: germline.
Comment: For these reasons, this variant has been classified as Pathogenic. Algorithms developed to predict the effect of sequence changes on RNA splicing suggest that this variant may create or strengthen a splice site. Advanced modeling of protein sequence and biophysical properties (such as structural, functional, and spatial information, amino acid conservation, physicochemical variation, residue mobility, and thermodynamic stability) performed at Invitae indicates that this missense variant is expected to disrupt PTCH1 protein function. ClinVar contains an entry for this variant (Variation ID: 428838). This missense change has been observed in individuals with basal cell nevus syndrome (PMID: 10890722, 15712338, 18502968; Invitae). This variant is not present in population databases (gnomAD no frequency). This sequence change replaces glycine, which is neutral and non-polar, with arginine, which is basic and polar, at codon 1167 of the PTCH1 protein (p.Gly1167Arg).

Literature cited by the submitters: PubMed 10890722 (cited by Ambry Genetics and Labcorp Genetics (formerly Invitae), Labcorp); PubMed 15712338 (cited by Ambry Genetics and Labcorp Genetics (formerly Invitae), Labcorp); PubMed 18502968 (cited by Ambry Genetics and Labcorp Genetics (formerly Invitae), Labcorp); PubMed 26890308 (cited by Ambry Genetics).